The following is an entry in ClinVar:

ClinVar aggregate classification (germline): Uncertain significance (1 of 4 stars; one submission).

Conditions:
Multiple endocrine neoplasia type 4. Also called: MULTIPLE ENDOCRINE NEOPLASIA, TYPE IV. Identifiers: Orphanet 276152, MedGen C1970712, MONDO:0012552, OMIM 610755.

Allele frequency attached by ClinVar (database versions not stated): gnomAD exomes below 0.00001.

Submission:

Labcorp Genetics (formerly Invitae), Labcorp
Classification: Uncertain significance for Multiple endocrine neoplasia type 4. Last evaluated: 2023-08-08. Review status: criteria provided, single submitter. Criteria: Invitae Variant Classification Sherloc (09022015). Collection method: clinical testing. Allele origin: germline.
Comment: In summary, the available evidence is currently insufficient to determine the role of this variant in disease. Therefore, it has been classified as a Variant of Uncertain Significance. Algorithms developed to predict the effect of sequence changes on RNA splicing suggest that this variant may disrupt the consensus splice site. This variant has not been reported in the literature in individuals affected with CDKN1B-related conditions. This variant is not present in population databases (gnomAD no frequency). This sequence change falls in intron 1 of the CDKN1B gene. It does not directly change the encoded amino acid sequence of the CDKN1B protein.

NM_004064.5(CDKN1B):c.476-20A>G

Gene: CDKN1B (cyclin dependent kinase inhibitor 1B; plus strand). Cytogenetic location: 12p13.1.
Variant type: single nucleotide variant.
Coding change: c.476-20A>G on transcript NM_004064.5 (MANE Select); 20 bases into the intron before coding-DNA position 476, A replaced by G.
Molecular consequence: intron variant.
Genome position (GRCh38, 1-based): chr12:12,718,805, A>G. VCF-style: chr12-12718805-A-G. GRCh37 (hg19) VCF-style: chr12-12871739-A-G.
Identifiers: ClinVar variation 2727384 (VCV002727384.3), dbSNP rs2497407305, ClinGen allele CA2617686846.